The following is an entry in ClinVar:

NM_005475.3(SH2B3):c.1707C>A (p.Asp569Glu)

Gene: SH2B3 (SH2B adaptor protein 3; plus strand). Cytogenetic location: 12q24.12.
Variant type: single nucleotide variant.
Coding change: c.1707C>A on transcript NM_005475.3 (MANE Select); coding-DNA position 1707, C replaced by A.
Protein change: p.Asp569Glu; replaces aspartic acid 569 with glutamic acid.
Molecular consequence: missense variant.
Genome position (GRCh38, 1-based): chr12:111,448,281, C>A. VCF-style: chr12-111448281-C-A. GRCh37 (hg19) VCF-style: chr12-111886085-C-A.
Other names: c.1101C>A, p.Asp367Glu (NM_001291424.1); short protein forms D367E, D569E.
Identifiers: ClinVar variation 4630693 (VCV004630693.1).

ClinVar aggregate classification (germline): Uncertain significance (1 of 4 stars; one submission).

Conditions:
Inborn genetic diseases. Identifiers: MedGen C0950123, MeSH D030342.

Submission:

Ambry Genetics
Classification: Uncertain significance for Inborn genetic diseases. Last evaluated: 2025-09-26. Review status: criteria provided, single submitter. Criteria: Ambry Variant Classification Scheme 2023. Collection method: clinical testing. Allele origin: germline.
Comment: The p.D569E variant (also known as c.1707C>A), located in coding exon 7 of the SH2B3 gene, results from a C to A substitution at nucleotide position 1707. The aspartic acid at codon 569 is replaced by glutamic acid, an amino acid with highly similar properties. This amino acid position is conserved. In addition, this alteration is predicted to be tolerated by in silico analysis. Based on the available evidence, the clinical significance of this variant remains unclear.